The following is an entry in ClinVar:

NM_001276270.2(MBD4):c.1015G>C (p.Ala339Pro)

Gene: MBD4 (methyl-CpG binding domain 4, DNA glycosylase; minus strand). Cytogenetic location: 3q21.3.
Variant type: single nucleotide variant.
Coding change: c.1015G>C on transcript NM_001276270.2 (MANE Select); coding-DNA position 1015, G replaced by C.
Protein change: p.Ala339Pro; replaces alanine 339 with proline.
Molecular consequence: missense variant. On other transcripts: intron variant (1).
Genome position (GRCh38, 1-based): chr3:129,436,629, C>G on the plus strand (G>C on the coding strand, the complement: MBD4 is on the minus strand). VCF-style: chr3-129436629-C-G. GRCh37 (hg19) VCF-style: chr3-129155472-C-G.
Other names: c.1015G>C, p.Ala339Pro (NM_001276271.2, NM_001276272.2, NM_003925.3); c.247+1179G>C (NM_001276273.2); short protein forms A339P.
Identifiers: ClinVar variation 3684242 (VCV003684242.3).

ClinVar aggregate classification (germline): Uncertain significance. Review status: criteria provided, multiple submitters, no conflicts (2 of 4 stars). 2 submissions from 2 submitters: Uncertain significance (2). Last evaluated 2025-11-15.

Conditions:
Inborn genetic diseases. Identifiers: MedGen C0950123, MeSH D030342.

gnomAD v4.1: 1 of 1,614,116 alleles (0.000062%); no homozygotes.

Submissions (2):

Ambry Genetics
Classification: Uncertain significance for Inborn genetic diseases. Last evaluated: 2025-11-15. Review status: criteria provided, single submitter. Criteria: Ambry Variant Classification Scheme 2023. Collection method: clinical testing. Allele origin: germline.
Comment: The p.A339P variant (also known as c.1015G>C), located in coding exon 3 of the MBD4 gene, results from a G to C substitution at nucleotide position 1015. The alanine at codon 339 is replaced by proline, an amino acid with highly similar properties. This amino acid position is conserved. In addition, this alteration is predicted to be tolerated by in silico analysis. Based on the available evidence, the clinical significance of this variant remains unclear.

Labcorp Genetics (formerly Invitae), Labcorp
Classification: Uncertain significance. Last evaluated: 2024-10-15. Review status: criteria provided, single submitter. Criteria: Invitae Variant Classification Sherloc (09022015). Collection method: clinical testing. Allele origin: germline.
Comment: This sequence change replaces alanine, which is neutral and non-polar, with proline, which is neutral and non-polar, at codon 339 of the MBD4 protein (p.Ala339Pro). This variant is not present in population databases (gnomAD no frequency). This variant has not been reported in the literature in individuals affected with MBD4-related conditions. An algorithm developed to predict the effect of missense changes on protein structure and function (PolyPhen-2) suggests that this variant is likely to be tolerated. Algorithms developed to predict the effect of sequence changes on RNA splicing suggest that this variant may create or strengthen a splice site. In summary, the available evidence is currently insufficient to determine the role of this variant in disease. Therefore, it has been classified as a Variant of Uncertain Significance.